The following is an entry in ClinVar:

ClinVar aggregate classification (germline): Uncertain significance (1 of 4 stars; one submission).

Allele frequency attached by ClinVar (database versions not stated): gnomAD exomes below 0.00001; ExAC 0.00001; TOPMed 0.00002; gnomAD 0.00003.
gnomAD v4.1: 12 of 1,614,000 alleles (0.00074%); highest among the groups gnomAD compares: Admixed American, 0.0017%; no homozygotes.

Submission:

Labcorp Genetics (formerly Invitae), Labcorp
Classification: Uncertain significance. Last evaluated: 2024-02-17. Review status: criteria provided, single submitter. Criteria: Invitae Variant Classification Sherloc (09022015). Collection method: clinical testing. Allele origin: germline.
Comment: This sequence change replaces alanine, which is neutral and non-polar, with valine, which is neutral and non-polar, at codon 638 of the ANK3 protein (p.Ala638Val). This variant is present in population databases (rs752579946, gnomAD 0.003%). This variant has not been reported in the literature in individuals affected with ANK3-related conditions. ClinVar contains an entry for this variant (Variation ID: 2169921). Advanced modeling of protein sequence and biophysical properties (such as structural, functional, and spatial information, amino acid conservation, physicochemical variation, residue mobility, and thermodynamic stability) performed at Invitae indicates that this missense variant is not expected to disrupt ANK3 protein function with a negative predictive value of 80%. In summary, the available evidence is currently insufficient to determine the role of this variant in disease. Therefore, it has been classified as a Variant of Uncertain Significance.

NM_020987.5(ANK3):c.1913C>T (p.Ala638Val)

Gene: ANK3 (ankyrin 3; minus strand). Cytogenetic location: 10q21.2.
Variant type: single nucleotide variant.
Coding change: c.1913C>T on transcript NM_020987.5 (MANE Select); coding-DNA position 1913, C replaced by T.
Protein change: p.Ala638Val; replaces alanine 638 with valine.
Molecular consequence: missense variant.
Genome position (GRCh38, 1-based): chr10:60,186,887, G>A on the plus strand (C>T on the coding strand, the complement: ANK3 is on the minus strand). VCF-style: chr10-60186887-G-A. GRCh37 (hg19) VCF-style: chr10-61946645-G-A.
Other names: c.1895C>T, p.Ala632Val (NM_001204403.2); c.1862C>T, p.Ala621Val (NM_001204404.2); c.1913C>T, p.Ala638Val (NM_001320874.2); short protein forms A632V, A621V, A638V.
Identifiers: ClinVar variation 2169921 (VCV002169921.3), dbSNP rs752579946, ClinGen allele CA5512988.